The following is an entry in ClinVar:

ClinVar aggregate classification (germline): Uncertain significance (1 of 4 stars; one submission).

Conditions:
Polycystic liver disease 2 (PCLD2). Also called: Polycystic liver disease 2 with or without kidney cysts. Identifiers: Orphanet 2924, MedGen C4310769, MONDO:0014860, OMIM 617004.

Submission:

Victorian Clinical Genetics Services, Murdoch Childrens Research Institute
Classification: Uncertain significance for Polycystic liver disease 2. Last evaluated: 2026-05-18. Review status: criteria provided, single submitter. Criteria: ACMG Guidelines, 2015. Collection method: clinical testing. Allele origin: germline. Affected: yes.
Comment: This variant is classified as VUS-3B. Evidence in support of pathogenic classification: Variant is absent from gnomAD (v2, v3 and v4). Additional information: Variant is predicted to result in a missense amino acid change from Leu to Pro; This variant is heterozygous; This gene is associated with autosomal dominant disease; This variant has no previous evidence of pathogenicity; No published evidence of segregation with disease has been identified for this variant; No published functional evidence has been identified for this variant; No comparable missense variants have previous evidence for pathogenicity; Variant is located in the annotated SEC63 family domain (DECIPHER). - Missense variant with inconclusive in silico prediction and/or uninformative conservation; Loss of function is a known mechanism of disease in this gene and is associated with polycystic liver disease 2 (MIM#617004); Variants in this gene are known to have variable expressivity. Variable severity has been observed in individuals with the same variant (PMID: 20095989); Inheritance information for this variant is not currently available in this individual.

Literature cited by the submitters: PubMed 20095989.

NM_007214.5(SEC63):c.917T>C (p.Leu306Pro)

Gene: SEC63 (SEC63 protein translocation regulator; minus strand). Cytogenetic location: 6q21.
Variant type: single nucleotide variant.
Coding change: c.917T>C on transcript NM_007214.5 (MANE Select); coding-DNA position 917, T replaced by C.
Protein change: p.Leu306Pro; replaces leucine 306 with proline.
Molecular consequence: missense variant.
Genome position (GRCh38, 1-based): chr6:107,906,492, A>G on the plus strand (T>C on the coding strand, the complement: SEC63 is on the minus strand). VCF-style: chr6-107906492-A-G. GRCh37 (hg19) VCF-style: chr6-108227696-A-G.
Other names: short protein forms L306P.
Identifiers: ClinVar variation 4879737 (VCV004879737.1).